The following is an entry in ClinVar:

ClinVar aggregate classification (germline): Uncertain significance (1 of 4 stars; one submission).

Conditions:
Werner syndrome (WRN). Identifiers: Orphanet 902, MedGen C0043119, MONDO:0010196, OMIM 277700.

Submission:

Labcorp Genetics (formerly Invitae), Labcorp
Classification: Uncertain significance for Werner syndrome. Last evaluated: 2020-02-19. Review status: criteria provided, single submitter. Criteria: Invitae Variant Classification Sherloc (09022015). Collection method: clinical testing. Allele origin: germline.
Comment: This sequence change replaces leucine with valine at codon 1109 of the WRN protein (p.Leu1109Val). The leucine residue is weakly conserved and there is a small physicochemical difference between leucine and valine. This variant is not present in population databases (ExAC no frequency). This variant has not been reported in the literature in individuals with WRN-related conditions. Algorithms developed to predict the effect of missense changes on protein structure and function output the following: SIFT: "Not Available"; PolyPhen-2: "Benign"; Align-GVGD: "Not Available". The valine amino acid residue is found in multiple mammalian species, suggesting that this missense change does not adversely affect protein function. These predictions have not been confirmed by published functional studies and their clinical significance is uncertain. Algorithms developed to predict the effect of sequence changes on RNA splicing suggest that this variant may create or strengthen a splice site, but this prediction has not been confirmed by published transcriptional studies. In summary, the available evidence is currently insufficient to determine the role of this variant in disease. Therefore, it has been classified as a Variant of Uncertain Significance.

NM_000553.6(WRN):c.3325T>G (p.Leu1109Val)

Gene: WRN (WRN RecQ like helicase; plus strand). Cytogenetic location: 8p12.
Variant type: single nucleotide variant.
Coding change: c.3325T>G on transcript NM_000553.6 (MANE Select); coding-DNA position 3325, T replaced by G.
Protein change: p.Leu1109Val; replaces leucine 1109 with valine.
Molecular consequence: missense variant.
Genome position (GRCh38, 1-based): chr8:31,143,565, T>G. VCF-style: chr8-31143565-T-G. GRCh37 (hg19) VCF-style: chr8-31001081-T-G.
Other names: short protein forms L1109V.
Identifiers: ClinVar variation 845506 (VCV000845506.5), dbSNP rs1802744516, ClinGen allele CA370924020.